The following is an entry in ClinVar:

NM_000784.4(CYP27A1):c.1024_1065dup (p.Pro355_Glu356insAsnThrLeuThrTrpAlaLeuTyrHisLeuSerLysAspPro)

Gene: CYP27A1 (cytochrome P450 family 27 subfamily A member 1; plus strand). Cytogenetic location: 2q35.
Variant type: Duplication.
Coding change: c.1024_1065dup on transcript NM_000784.4 (MANE Select); coding-DNA positions 1024 to 1065, 42 bases duplicated.
Protein change: p.Pro355_Glu356insAsnThrLeuThrTrpAlaLeuTyrHisLeuSerLysAspPro.
Molecular consequence: inframe insertion.
Genome position (GRCh38, 1-based): chr2:218,814,027-218,814,068, 42 bases duplicated. GRCh37 (hg19): chr2:219,678,750-219,678,791.
Identifiers: ClinVar variation 4855293 (VCV004855293.1).

ClinVar aggregate classification (germline): Uncertain significance (1 of 4 stars; one submission).

Conditions:
Cholestanol storage disease (CTX). Also called: Cerebrotendinous Xanthomatosis; CTX: Cerebrotendinous xanthomatosis; CEREBRAL CHOLESTERINOSIS. Identifiers: Orphanet 909, MedGen C0238052, MONDO:0008948, OMIM 213700.

Submission:

3billion
Classification: Uncertain significance for Cholestanol storage disease. Last evaluated: 2026-01-16. Review status: criteria provided, single submitter. Criteria: ACMG Guidelines, 2015. Collection method: clinical testing. Allele origin: germline. Affected: yes.
Comment: The variant is observed at an extremely low frequency in the gnomAD v4.1.0 dataset (total allele frequency: <0.001%). Predicted Consequence/Location: Inframe insertion located in a nonrepeat region: predicted to change the length of the protein and disrupt normal protein function. Damaging effect on gene or gene product predicted by in silico programs is uncertain [3Cnet: 0.26 (damaging >0.75, benign <0.1)]. Therefore, this variant is classified as VUS according to the recommendation of ACMG/AMP guideline.